The following is an entry in ClinVar:

ClinVar aggregate classification (germline): Uncertain significance. Review status: criteria provided, multiple submitters, no conflicts (2 of 4 stars). 3 submissions from 3 submitters: Uncertain significance (3). Last evaluated 2023-12-26.

Conditions:
Hypertrophic cardiomyopathy 1 (CMH1). Also called: Familial hypertrophic cardiomyopathy 1; MYH7-Related Familial Hypertrophic Cardiomyopathy. Identifiers: MedGen C3495498, MONDO:0008647, OMIM 192600.

Allele frequency attached by ClinVar (database versions not stated): gnomAD 0.00001; TOPMed 0.00001.
gnomAD v4.1: 4 of 1,613,932 alleles (0.00025%); highest among the groups gnomAD compares: African/African-American, 0.0027%; no homozygotes.

Submissions (3):

Labcorp Genetics (formerly Invitae), Labcorp
Classification: Uncertain significance for Hypertrophic cardiomyopathy 1. Last evaluated: 2023-12-26. Review status: criteria provided, single submitter. Criteria: Invitae Variant Classification Sherloc (09022015). Collection method: clinical testing. Allele origin: germline.
Comment: This sequence change replaces proline, which is neutral and non-polar, with leucine, which is neutral and non-polar, at codon 39 of the MYLK2 protein (p.Pro39Leu). This variant is not present in population databases (gnomAD no frequency). This variant has not been reported in the literature in individuals affected with MYLK2-related conditions. ClinVar contains an entry for this variant (Variation ID: 191734). An algorithm developed to predict the effect of missense changes on protein structure and function (PolyPhen-2) suggests that this variant is likely to be tolerated. In summary, the available evidence is currently insufficient to determine the role of this variant in disease. Therefore, it has been classified as a Variant of Uncertain Significance.

Fulgent Genetics
Classification: Uncertain significance for Hypertrophic cardiomyopathy 1. Last evaluated: 2021-10-07. Review status: criteria provided, single submitter. Criteria: ACMG Guidelines, 2015. Collection method: clinical testing. Allele origin: unknown.

Biesecker Lab/Clinical Genomics Section, National Institutes of Health
Classification: Uncertain significance. Last evaluated: 2013-06-24. Review status: criteria provided, single submitter. Criteria: Ng et al. (Circ Cardiovasc Genet. 2013). Collection method: research. Allele origin: unknown. Observed: 1 variant allele. Study: ClinSeq.
Comment: The study set was not selected for affection status in relation to any cancer. Pathogenicity categories were based on literature curation. See Pubmed ID:23861362 for details.

Medical sequencing

NM_033118.4(MYLK2):c.116C>T (p.Pro39Leu)

Gene: MYLK2 (myosin light chain kinase 2; plus strand). Cytogenetic location: 20q11.21.
Variant type: single nucleotide variant.
Coding change: c.116C>T on transcript NM_033118.4 (MANE Select); coding-DNA position 116, C replaced by T.
Protein change: p.Pro39Leu; replaces proline 39 with leucine.
Molecular consequence: missense variant.
Genome position (GRCh38, 1-based): chr20:31,820,189, C>T. VCF-style: chr20-31820189-C-T. GRCh37 (hg19) VCF-style: chr20-30407992-C-T.
Other names: short protein forms P39L.
Identifiers: ClinVar variation 191734 (VCV000191734.6), dbSNP rs786205283, ClinGen allele CA237400.
Genomic context (GRCh38, chr20:31,820,189, plus strand): 5'-AGGCACCTAAAGGTCCCACAGGTGAAAGACCCCTGGCTGCAGGGAAAGACCCTGGCCCCC[C>T]AGACCCAAAGAAAGCTCCGGATCCACCCACCCTGAAGAAAGATGCCAAAGCCCCTGCCTC-3'
Protein context (NP_149109.1, residues 29-49): PLAAGKDPGP[Pro39Leu]DPKKAPDPPT